The following is an entry in ClinVar:

ClinVar aggregate classification (germline): Pathogenic (0 of 4 stars; one submission).

Conditions:
Growth delay due to insulin-like growth factor I resistance. Also called: IGF-I RESISTANCE; Insulin-Like Growth Factor I Resistance; Somatomedin end-organ insensitivity to; Somatomedin-c resistance to; IGF-1 resistance. Identifiers: Orphanet 73273, MedGen C1849157, MONDO:0010038, OMIM 270450.

Submission:

Gene Discovery Core-Manton Center, Boston Children's Hospital
Classification: Pathogenic for Growth delay due to insulin-like growth factor I resistance. Last evaluated: 2020-02-14. Review status: no assertion criteria provided. Collection method: research. Allele origin: germline. Affected: yes.
Comment: This variant is interpreted as Pathogenic for Insulin-like growth factor, resistance to; Autosomal Dominant. PVS1- Null variant (nonsense, frameshift, canonical splice sites, initiation codon, single or multiexon deletion) in a gene where LOF is a known mechanism of disease. PM2- Absent from controls (gnomad). PP3- Multiple lines of computational evidence support a deleterious effect on the gene or gene product (conservation, evolutionary, splicing impact, etc.)

NM_000875.5(IGF1R):c.2321_2322del (p.Glu774fs)

Gene: IGF1R (insulin like growth factor 1 receptor; plus strand). Cytogenetic location: 15q26.3.
Variant type: Microsatellite.
Coding change: c.2321_2322del on transcript NM_000875.5 (MANE Select); coding-DNA positions 2321 to 2322, 2 bases deleted (AG; older notation c.2321_2322delAG).
Protein change: p.Glu774fs; shifts the reading frame from glutamic acid 774.
Molecular consequence: frameshift variant.
Genome position (GRCh38, 1-based): chr15:98,922,267-98,922,268, AG deleted; deleting any 2 consecutive bases within chr15:98,922,265-98,922,268 gives the same sequence; the c. name uses the placement nearest the transcript's 3' end. VCF-style (leftmost placement, unchanged base first): chr15-98922264-CAG-C. GRCh37 (hg19) VCF-style: chr15-99465493-CAG-C.
Other names: c.2321_2322del, p.Glu774fs (NM_001291858.2); short protein forms E774fs.
Identifiers: ClinVar variation 1188841 (VCV001188841.1), dbSNP rs2151690905, ClinGen allele CA2580613343.